The following is an entry in ClinVar:

ClinVar aggregate classification (germline): Uncertain significance (1 of 4 stars; one submission).

Allele frequency attached by ClinVar (database versions not stated): ExAC 0.00002; gnomAD 0.00001; gnomAD exomes below 0.00001 and 0.00001; TOPMed 0.00002.
gnomAD v4.1: 7 of 1,613,888 alleles (0.00043%); highest among the groups gnomAD compares: Middle Eastern, 0.016%; no homozygotes.

Submission:

Labcorp Genetics (formerly Invitae), Labcorp
Classification: Uncertain significance. Last evaluated: 2025-05-05. Review status: criteria provided, single submitter. Criteria: Invitae Variant Classification Sherloc (09022015). Collection method: clinical testing. Allele origin: germline.
Comment: This sequence change replaces arginine, which is basic and polar, with tryptophan, which is neutral and slightly polar, at codon 187 of the AP3D1 protein (p.Arg187Trp). This variant is present in population databases (rs766235867, gnomAD 0.004%). This variant has not been reported in the literature in individuals affected with AP3D1-related conditions. ClinVar contains an entry for this variant (Variation ID: 1357433). An algorithm developed to predict the effect of missense changes on protein structure and function (PolyPhen-2) suggests that this variant is likely to be disruptive. In summary, the available evidence is currently insufficient to determine the role of this variant in disease. Therefore, it has been classified as a Variant of Uncertain Significance.

NM_001261826.3(AP3D1):c.559C>T (p.Arg187Trp)

Gene: AP3D1 (adaptor related protein complex 3 subunit delta 1; minus strand). Cytogenetic location: 19p13.3.
Variant type: single nucleotide variant.
Coding change: c.559C>T on transcript NM_001261826.3 (MANE Select); coding-DNA position 559, C replaced by T.
Protein change: p.Arg187Trp; replaces arginine 187 with tryptophan.
Molecular consequence: missense variant.
Genome position (GRCh38, 1-based): chr19:2,130,441, G>A on the plus strand (C>T on the coding strand, the complement: AP3D1 is on the minus strand). VCF-style: chr19-2130441-G-A. GRCh37 (hg19) VCF-style: chr19-2130440-G-A.
Other names: c.559C>T, p.Arg187Trp (NM_001374799.1, NM_003938.8); short protein forms R187W.
Identifiers: ClinVar variation 1357433 (VCV001357433.6), dbSNP rs766235867, ClinGen allele CA9059677.